The following is an entry in ClinVar:

NM_003024.3(ITSN1):c.4954C>T (p.Arg1652Ter)

Gene: ITSN1 (intersectin 1; plus strand). Cytogenetic location: 21q22.11.
Variant type: single nucleotide variant.
Coding change: c.4954C>T on transcript NM_003024.3 (MANE Select); coding-DNA position 4954, C replaced by T.
Protein change: p.Arg1652Ter; replaces arginine 1652 with a stop codon.
Molecular consequence: nonsense.
Genome position (GRCh38, 1-based): chr21:33,886,397, C>T. VCF-style: chr21-33886397-C-T. GRCh37 (hg19) VCF-style: chr21-35258701-C-T.
Other names: c.4939C>T, p.Arg1647Ter (NM_001331010.2); short protein forms R1647*, R1652*.
Identifiers: ClinVar variation 3111990 (VCV003111990.1), dbSNP rs1473952903, ClinGen allele CA410191708.

ClinVar aggregate classification (germline): Uncertain significance (1 of 4 stars; one submission).

Conditions:
Inborn genetic diseases. Identifiers: MedGen C0950123, MeSH D030342.

Allele frequency attached by ClinVar (database versions not stated): gnomAD exomes below 0.00001; TOPMed below 0.00001.
gnomAD v4.1: 3 of 1,613,334 alleles (0.00019%); highest among the groups gnomAD compares: Non-Finnish European, 0.00017%; no homozygotes.

Submission:

Ambry Genetics
Classification: Uncertain significance for Inborn genetic diseases. Last evaluated: 2023-10-11. Review status: criteria provided, single submitter. Criteria: Ambry Variant Classification Scheme 2023. Collection method: clinical testing. Allele origin: germline.
Comment: The c.4954C>T (p.R1652*) alteration, located in exon 39 (coding exon 38) of the ITSN1 gene, consists of a C to T substitution at nucleotide position 4954. This changes the amino acid from an arginine (R) to a stop codon at amino acid position 1652. This alteration is expected to result in loss of function by premature protein truncation or nonsense-mediated mRNA decay; however, this region of the ITSN1 gene is not present in all biologically relevant transcript isoforms. Based on data from gnomAD, the T allele has an overall frequency of <0.001% (1/250376) total alleles studied. The highest observed frequency was 0.001% (1/113284) of European (non-Finnish) alleles. Based on insufficient or conflicting evidence, the clinical significance of this alteration remains unclear.